The following is an entry in ClinVar:

ClinVar aggregate classification (germline): Benign/Likely benign. Review status: criteria provided, multiple submitters, no conflicts (2 of 4 stars). 4 submissions from 4 submitters: Benign (1); Likely benign (2). 1 of the submissions does not count toward it. Last evaluated 2026-07-09.

Conditions:
Rhabdoid tumor predisposition syndrome 2 (RTPS2). Identifiers: Orphanet 231108, Orphanet 69077, MedGen C2750074, MONDO:0013224, OMIM 613325.
SMARCA4-related disorder. Also called: SMARCA4-related condition.
Hereditary cancer-predisposing syndrome. Also called: Tumor predisposition; Neoplastic Syndromes, Hereditary; Hereditary Cancer Syndrome; Hereditary neoplastic syndrome. Identifiers: Orphanet 140162, MedGen C0027672, MeSH D009386, MONDO:0015356.

Allele frequency attached by ClinVar (database versions not stated): gnomAD 0.00003; TOPMed 0.00002.
gnomAD v4.1: 22 of 1,597,488 alleles (0.0014%); highest among the groups gnomAD compares: African/African-American, 0.013%; no homozygotes.

Submissions (4):

Myriad Genetics, Inc.
Classification: Benign for Rhabdoid tumor predisposition syndrome 2. Last evaluated: 2026-07-09. Review status: criteria provided, single submitter. Criteria: Myriad Autosomal Dominant, Autosomal Recessive and X-Linked Classification Criteria (2023). Collection method: clinical testing. Allele origin: unknown.
Comment: This variant is considered benign. This variant is a silent/synonymous amino acid change and it is not expected to impact splicing.

Labcorp Genetics (formerly Invitae), Labcorp
Classification: Likely benign for Rhabdoid tumor predisposition syndrome 2. Last evaluated: 2025-12-28. Review status: criteria provided, single submitter. Criteria: Invitae Variant Classification Sherloc (09022015). Collection method: clinical testing. Allele origin: germline.

Ambry Genetics
Classification: Likely benign for Hereditary cancer-predisposing syndrome. Last evaluated: 2015-11-04. Review status: criteria provided, single submitter. Criteria: Ambry Variant Classification Scheme 2023. Collection method: clinical testing. Allele origin: germline.

PreventionGenetics, part of Exact Sciences
Classification: Likely benign for SMARCA4-related condition. Last evaluated: 2024-02-28. Review status: no assertion criteria provided. Collection method: clinical testing. Allele origin: germline. Not counted in ClinVar's aggregate classification.
Comment: This variant is classified as likely benign based on ACMG/AMP sequence variant interpretation guidelines (Richards et al. 2015 PMID: 25741868, with internal and published modifications).

NM_003072.5(SMARCA4):c.969G>A (p.Ser323=)

Gene: SMARCA4 (SWI/SNF related BAF chromatin remodeling complex subunit ATPase 4; plus strand). Cytogenetic location: 19p13.2.
Variant type: single nucleotide variant.
Coding change: c.969G>A on transcript NM_003072.5 (MANE Select); coding-DNA position 969, G replaced by A.
Protein change: p.Ser323=; no amino-acid change (serine 323 retained).
Molecular consequence: synonymous variant. On other transcripts: non-coding transcript variant (1).
Genome position (GRCh38, 1-based): chr19:10,987,775, G>A. VCF-style: chr19-10987775-G-A. GRCh37 (hg19) VCF-style: chr19-11098451-G-A.
Other names: c.969G>A, p.Ser323= (NM_001128847.4, NM_001128848.2, NM_001128849.3 and 5 more transcripts).
Identifiers: ClinVar variation 470472 (VCV000470472.19), dbSNP rs770128715, ClinGen allele CA9203644.
Genomic context (GRCh38, chr19:10,987,775, plus strand): 5'-TCCCCCGCAGCCAACGGGCCGCCCTTCCCCCGCGCCCCCTGCCGTCCCACCCGCCGCCTC[G>A]CCCGTGATGCCACCGCAGACCCAGTCCCCCGGGCAGCCGGCCCAGCCCGCGCCCATGGTG-3'
Protein context (NP_003063.2, residues 313-333): PAPPAVPPAA[Ser323=]PVMPPQTQSP